The following is an entry in ClinVar:

ClinVar aggregate classification (germline): Uncertain significance (1 of 4 stars; one submission).

Conditions:
Sialuria. Also called: Sialic Acid Storage Disease; SIALURIA, FRENCH TYPE. Identifiers: Orphanet 3166, MedGen C0342853, MONDO:0010028, OMIM 269921.
GNE myopathy (NM). Also called: INCLUSION BODY MYOPATHY, HEREDITARY, AUTOSOMAL RECESSIVE; INCLUSION BODY MYOPATHY 2, AUTOSOMAL RECESSIVE; MYOPATHY, DISTAL, WITH OR WITHOUT RIMMED VACUOLES; IBM 2; Inclusion body myopathy autosomal recessive; Inclusion body myopathy quadriceps sparing. Identifiers: Orphanet 602, MedGen C1853926, MONDO:0011603, OMIM 605820.

Allele frequency attached by ClinVar (database versions not stated): gnomAD exomes below 0.00001.
gnomAD v4.1: 3 of 1,614,216 alleles (0.00019%); highest among the groups gnomAD compares: Non-Finnish European, 0.00025%; no homozygotes.

Submission:

Labcorp Genetics (formerly Invitae), Labcorp
Classification: Uncertain significance for Sialuria; GNE myopathy. Last evaluated: 2022-09-26. Review status: criteria provided, single submitter. Criteria: Invitae Variant Classification Sherloc (09022015). Collection method: clinical testing. Allele origin: germline.
Comment: This sequence change replaces aspartic acid, which is acidic and polar, with glycine, which is neutral and non-polar, at codon 174 of the GNE protein (p.Asp174Gly). This variant is not present in population databases (gnomAD no frequency). This variant has not been reported in the literature in individuals affected with GNE-related conditions. Algorithms developed to predict the effect of missense changes on protein structure and function (SIFT, PolyPhen-2, Align-GVGD) all suggest that this variant is likely to be disruptive. Algorithms developed to predict the effect of sequence changes on RNA splicing suggest that this variant may create or strengthen a splice site. In summary, the available evidence is currently insufficient to determine the role of this variant in disease. Therefore, it has been classified as a Variant of Uncertain Significance.

NM_005476.7(GNE):c.428A>G (p.Asp143Gly)

Gene: GNE (glucosamine (UDP-N-acetyl)-2-epimerase/N-acetylmannosamine kinase; minus strand). Cytogenetic location: 9p13.3.
Variant type: single nucleotide variant.
Coding change: c.428A>G on transcript NM_005476.7 (MANE Select); coding-DNA position 428, A replaced by G.
Protein change: p.Asp143Gly; replaces aspartic acid 143 with glycine.
Molecular consequence: missense variant.
Genome position (GRCh38, 1-based): chr9:36,246,219, T>C on the plus strand (A>G on the coding strand, the complement: GNE is on the minus strand). VCF-style: chr9-36246219-T-C. GRCh37 (hg19) VCF-style: chr9-36246216-T-C.
Other names: c.521A>G, p.Asp174Gly (NM_001128227.3); c.428A>G, p.Asp143Gly (NM_001190383.3, NM_001374797.1); c.251A>G, p.Asp84Gly (NM_001190384.3, NM_001190388.2, NM_001374798.1); short protein forms D143G, D174G, D84G.
Identifiers: ClinVar variation 1720104 (VCV001720104.5), dbSNP rs2489788200, ClinGen allele CA373418738.